The following is an entry in ClinVar:

NM_024529.5(CDC73):c.923A>G (p.Lys308Arg)

Gene: CDC73 (cell division cycle 73; plus strand). Cytogenetic location: 1q31.2.
Variant type: single nucleotide variant.
Coding change: c.923A>G on transcript NM_024529.5 (MANE Select); coding-DNA position 923, A replaced by G.
Protein change: p.Lys308Arg; replaces lysine 308 with arginine.
Molecular consequence: missense variant.
Genome position (GRCh38, 1-based): chr1:193,152,395, A>G. VCF-style: chr1-193152395-A-G. GRCh37 (hg19) VCF-style: chr1-193121525-A-G.
Other names: c.923A>G (NM_024529.4); short protein forms K308R.
Identifiers: ClinVar variation 1008564 (VCV001008564.10), dbSNP rs376649069, ClinGen allele CA1303516.

ClinVar aggregate classification (germline): Uncertain significance. Review status: criteria provided, multiple submitters, no conflicts (2 of 4 stars). 2 submissions from 2 submitters: Uncertain significance (2). Last evaluated 2025-09-02.

Conditions:
Hereditary cancer-predisposing syndrome. Also called: Tumor predisposition; Hereditary neoplastic syndrome; Neoplastic Syndromes, Hereditary; Hereditary Cancer Syndrome. Identifiers: Orphanet 140162, MedGen C0027672, MeSH D009386, MONDO:0015356.
Parathyroid carcinoma (PRTC). Also called: Parathyroid gland carcinoma; CDC73-Related Parathyroid Carcinoma. Identifiers: Orphanet 143, MedGen C0687150, MONDO:0012004, OMIM 608266, HP:0006780.

Allele frequency attached by ClinVar (database versions not stated): gnomAD exomes below 0.00001; ExAC 0.00001; TOPMed 0.00002; ESP Exome Variant Server 0.00008.
gnomAD v4.1: 1 of 1,611,200 alleles (0.000062%); highest among the groups gnomAD compares: Non-Finnish European, 0.000085%; no homozygotes.

Submissions (2):

Ambry Genetics
Classification: Uncertain significance for Hereditary cancer-predisposing syndrome. Last evaluated: 2025-09-02. Review status: criteria provided, single submitter. Criteria: Ambry Variant Classification Scheme 2023. Collection method: clinical testing. Allele origin: germline.
Comment: The p.K308R variant (also known as c.923A>G), located in coding exon 10 of the CDC73 gene, results from an A to G substitution at nucleotide position 923. The lysine at codon 308 is replaced by arginine, an amino acid with highly similar properties. This amino acid position is conserved. In addition, this alteration is predicted to be tolerated by in silico analysis. Based on the available evidence, the clinical significance of this variant remains unclear.

Labcorp Genetics (formerly Invitae), Labcorp
Classification: Uncertain significance for Parathyroid carcinoma. Last evaluated: 2025-06-16. Review status: criteria provided, single submitter. Criteria: Invitae Variant Classification Sherloc (09022015). Collection method: clinical testing. Allele origin: germline.
Comment: This sequence change replaces lysine, which is basic and polar, with arginine, which is basic and polar, at codon 308 of the CDC73 protein (p.Lys308Arg). The frequency data for this variant in the population databases is considered unreliable, as metrics indicate poor data quality at this position in the gnomAD database. This variant has not been reported in the literature in individuals affected with CDC73-related conditions. ClinVar contains an entry for this variant (Variation ID: 1008564). Invitae Evidence Modeling of protein sequence and biophysical properties (such as structural, functional, and spatial information, amino acid conservation, physicochemical variation, residue mobility, and thermodynamic stability) indicates that this missense variant is not expected to disrupt CDC73 protein function with a negative predictive value of 80%. In summary, the available evidence is currently insufficient to determine the role of this variant in disease. Therefore, it has been classified as a Variant of Uncertain Significance.